The following is an entry in ClinVar:

NM_013280.5(FLRT1):c.667A>G (p.Ser223Gly)

Genes: FLRT1 (fibronectin leucine rich transmembrane protein 1; plus strand), MACROD1 (mono-ADP ribosylhydrolase 1; minus strand). Cytogenetic location: 11q13.1.
Variant type: single nucleotide variant.
Coding change: c.667A>G on transcript NM_013280.5 (MANE Select); coding-DNA position 667, A replaced by G.
Protein change: p.Ser223Gly; replaces serine 223 with glycine.
Molecular consequence: missense variant. On other transcripts: intron variant (2).
Genome position (GRCh38, 1-based): chr11:64,116,934, A>G. VCF-style: chr11-64116934-A-G. GRCh37 (hg19) VCF-style: chr11-63884406-A-G.
Other names: c.667A>G, p.Ser223Gly (NM_001384466.1); c.583A>G, p.Ser195Gly (NM_001423967.1); c.517+34305T>C (NM_001411019.1, NM_014067.4); short protein forms S223G, S195G.
Identifiers: ClinVar variation 643512 (VCV000643512.8), dbSNP rs1590932597, ClinGen allele CA381058268.
Genomic context (GRCh38, chr11:64,116,934, plus strand): 5'-CTGCGGCTGGATGACAACCGCATCTCCACCATCCCGCTGCATGCCTTCAAGGGCCTCAAC[A>G]GCCTGCGGCGCCTGGTGCTGGACGGTAACCTGCTGGCCAACCAGCGCATCGCCGACGACA-3'
Protein context (NP_037412.2, residues 213-233): IPLHAFKGLN[Ser223Gly]LRRLVLDGNL

ClinVar aggregate classification (germline): Uncertain significance (1 of 4 stars; one submission).

Conditions:
Peripheral neuropathy. Also called: Neuropathy. Identifiers: MedGen C0031117, MONDO:0005244, HP:0009830.

Allele frequency attached by ClinVar (database versions not stated): gnomAD exomes below 0.00001; TOPMed below 0.00001.
gnomAD v4.1: 2 of 1,611,460 alleles (0.00012%); highest among the groups gnomAD compares: Non-Finnish European, 0.000085%; no homozygotes.

Submission:

Labcorp Genetics (formerly Invitae), Labcorp
Classification: Uncertain significance for Peripheral neuropathy. Last evaluated: 2018-11-01. Review status: criteria provided, single submitter. Criteria: Invitae Variant Classification Sherloc (09022015). Collection method: clinical testing. Allele origin: germline.
Comment: In summary, the available evidence is currently insufficient to determine the role of this variant in disease. Therefore, it has been classified as a Variant of Uncertain Significance. Algorithms developed to predict the effect of missense changes on protein structure and function output the following: SIFT: "Deleterious"; PolyPhen-2: "Benign"; Align-GVGD: "Class C0". The glycine amino acid residue is found in multiple mammalian species, suggesting that this missense change does not adversely affect protein function. These predictions have not been confirmed by published functional studies and their clinical significance is uncertain. This variant has not been reported in the literature in individuals with FLRT1-related disease. This variant is not present in population databases (ExAC no frequency). This sequence change replaces serine with glycine at codon 223 of the FLRT1 protein (p.Ser223Gly). The serine residue is highly conserved and there is a small physicochemical difference between serine and glycine.